The following is an entry in ClinVar:

NM_007078.3(LDB3):c.1282C>T (p.Pro428Ser)

Gene: LDB3 (LIM domain binding 3; plus strand). Cytogenetic location: 10q23.2.
Variant type: single nucleotide variant.
Coding change: c.1282C>T on transcript NM_007078.3 (MANE Select); coding-DNA position 1282, C replaced by T.
Protein change: p.Pro428Ser; replaces proline 428 with serine.
Molecular consequence: missense variant.
Genome position (GRCh38, 1-based): chr10:86,716,377, C>T. VCF-style: chr10-86716377-C-T. GRCh37 (hg19) VCF-style: chr10-88476134-C-T.
Other names: c.952C>T, p.Pro318Ser (NM_001080114.2); c.1297C>T, p.Pro433Ser (NM_001171610.2); c.1093C>T, p.Pro365Ser (NM_001368064.1, NM_001368065.1); c.1141C>T, p.Pro381Ser (NM_001368066.1); short protein forms P318S, P365S, P381S, P428S, P433S.
Identifiers: ClinVar variation 4875351 (VCV004875351.2).

ClinVar aggregate classification (germline): Uncertain significance (1 of 4 stars; one submission).

Submission:

CeGaT Center for Human Genetics Tuebingen
Classification: Uncertain significance. Last evaluated: 2026-06-01. Review status: criteria provided, single submitter. Criteria: CeGaT Center For Human Genetics Tuebingen Variant Classification Criteria Version 2. Collection method: clinical testing. Allele origin: germline. Affected: yes. Observed: 1 variant allele.
Comment: LDB3: PM2, BP4